The following is an entry in ClinVar:

ClinVar aggregate classification (germline): Uncertain significance. Review status: criteria provided, multiple submitters, no conflicts (2 of 4 stars). 2 submissions from 2 submitters: Uncertain significance (2). Last evaluated 2022-10-29.

Conditions:
Inborn genetic diseases. Identifiers: MedGen C0950123, MeSH D030342.

Allele frequency attached by ClinVar (database versions not stated): gnomAD 0.00001; TOPMed 0.00002.
gnomAD v4.1: 11 of 1,537,120 alleles (0.00072%); highest among the groups gnomAD compares: Admixed American, 0.002%; no homozygotes.

Submissions (2):

Labcorp Genetics (formerly Invitae), Labcorp
Classification: Uncertain significance. Last evaluated: 2022-10-29. Review status: criteria provided, single submitter. Criteria: Invitae Variant Classification Sherloc (09022015). Collection method: clinical testing. Allele origin: germline.
Comment: Advanced modeling of protein sequence and biophysical properties (such as structural, functional, and spatial information, amino acid conservation, physicochemical variation, residue mobility, and thermodynamic stability) performed at Invitae indicates that this missense variant is not expected to disrupt PIEZO2 protein function. In summary, the available evidence is currently insufficient to determine the role of this variant in disease. Therefore, it has been classified as a Variant of Uncertain Significance. This variant has not been reported in the literature in individuals affected with PIEZO2-related conditions. This variant is present in population databases (no rsID available, gnomAD 0.004%). This sequence change replaces valine, which is neutral and non-polar, with isoleucine, which is neutral and non-polar, at codon 2410 of the PIEZO2 protein (p.Val2410Ile).

Ambry Genetics
Classification: Uncertain significance for Inborn genetic diseases. Last evaluated: 2022-10-03. Review status: criteria provided, single submitter. Criteria: Ambry Variant Classification Scheme 2023. Collection method: clinical testing. Allele origin: germline.

NM_001378183.1(PIEZO2):c.7567G>A (p.Val2523Ile)

Gene: PIEZO2 (piezo type mechanosensitive ion channel component 2; minus strand). Cytogenetic location: 18p11.22.
Variant type: single nucleotide variant.
Coding change: c.7567G>A on transcript NM_001378183.1 (MANE Select); coding-DNA position 7567, G replaced by A.
Protein change: p.Val2523Ile; replaces valine 2523 with isoleucine.
Molecular consequence: missense variant.
Genome position (GRCh38, 1-based): chr18:10,682,223, C>T on the plus strand (G>A on the coding strand, the complement: PIEZO2 is on the minus strand). VCF-style: chr18-10682223-C-T. GRCh37 (hg19) VCF-style: chr18-10682220-C-T.
Other names: c.7303G>A, p.Val2435Ile (NM_001410871.1); c.7228G>A, p.Val2410Ile (NM_022068.4); short protein forms V2410I, V2523I, V2435I.
Identifiers: ClinVar variation 2315304 (VCV002315304.5), dbSNP rs528555261, ClinGen allele CA401915136.